The following is an entry in ClinVar:

NM_021930.6(RINT1):c.1490C>T (p.Pro497Leu)

Gene: RINT1 (RAD50 interactor 1; plus strand). Cytogenetic location: 7q22.3.
Variant type: single nucleotide variant.
Coding change: c.1490C>T on transcript NM_021930.6 (MANE Select); coding-DNA position 1490, C replaced by T.
Protein change: p.Pro497Leu; replaces proline 497 with leucine.
Molecular consequence: missense variant.
Genome position (GRCh38, 1-based): chr7:105,555,046, C>T. VCF-style: chr7-105555046-C-T. GRCh37 (hg19) VCF-style: chr7-105195493-C-T.
Other names: c.1256C>T, p.Pro419Leu (NM_001346599.2); c.467C>T, p.Pro156Leu (NM_001346600.2, NM_001346603.2); c.566C>T, p.Pro189Leu (NM_001346601.2); short protein forms P156L, P189L, P419L, P497L.
Identifiers: ClinVar variation 3227604 (VCV003227604.1), dbSNP rs1043884420, ClinGen allele CA164060356.

ClinVar aggregate classification (germline): Uncertain significance (1 of 4 stars; one submission).

Allele frequency attached by ClinVar (database versions not stated): TOPMed below 0.00001.

Submission:

Ambry Genetics
Classification: Uncertain significance. Last evaluated: 2023-09-19. Review status: criteria provided, single submitter. Criteria: Ambry Variant Classification Scheme 2023. Collection method: clinical testing. Allele origin: germline.
Comment: The p.P497L variant (also known as c.1490C>T), located in coding exon 11 of the RINT1 gene, results from a C to T substitution at nucleotide position 1490. The proline at codon 497 is replaced by leucine, an amino acid with similar properties. This amino acid position is conserved. In addition, this alteration is predicted to be tolerated by in silico analysis. Since supporting evidence is limited at this time, the clinical significance of this alteration remains unclear.